The following is an entry in ClinVar:

NM_003079.5(SMARCE1):c.267T>G (p.Pro89=)

Gene: SMARCE1 (SWI/SNF related BAF chromatin remodeling complex subunit E1; minus strand). Cytogenetic location: 17q21.2.
Variant type: single nucleotide variant.
Coding change: c.267T>G on transcript NM_003079.5 (MANE Select); coding-DNA position 267, T replaced by G.
Protein change: p.Pro89=; no amino-acid change (proline 89 retained).
Molecular consequence: synonymous variant.
Genome position (GRCh38, 1-based): chr17:40,636,497, A>C on the plus strand (T>G on the coding strand, the complement: SMARCE1 is on the minus strand). VCF-style: chr17-40636497-A-C. GRCh37 (hg19) VCF-style: chr17-38792749-A-C.
Identifiers: ClinVar variation 2647742 (VCV002647742.25), dbSNP rs1460253575, ClinGen allele CA499964479.

ClinVar aggregate classification (germline): Likely benign. Review status: criteria provided, multiple submitters, no conflicts (2 of 4 stars). 2 submissions from 2 submitters: Likely benign (2). Last evaluated 2024-08-02.

Conditions:
Hereditary cancer-predisposing syndrome. Also called: Neoplastic Syndromes, Hereditary; Tumor predisposition; Hereditary Cancer Syndrome; Hereditary neoplastic syndrome. Identifiers: Orphanet 140162, MedGen C0027672, MeSH D009386, MONDO:0015356.

Submissions (2):

Ambry Genetics
Classification: Likely benign for Hereditary cancer-predisposing syndrome. Last evaluated: 2024-08-02. Review status: criteria provided, single submitter. Criteria: Ambry Variant Classification Scheme 2023. Collection method: clinical testing. Allele origin: germline.

CeGaT Center for Human Genetics Tuebingen
Classification: Likely benign. Last evaluated: 2023-01-01. Review status: criteria provided, single submitter. Criteria: CeGaT Center For Human Genetics Tuebingen Variant Classification Criteria Version 2. Collection method: clinical testing. Allele origin: germline. Affected: yes. Observed: 1 variant allele.
Comment: SMARCE1: PM2:Supporting, BP4, BP7